The following is an entry in ClinVar:

ClinVar aggregate classification (germline): Conflicting classifications of pathogenicity. Review status: criteria provided, conflicting classifications (1 of 4 stars). 2 submissions from 2 submitters: Likely pathogenic (1); Uncertain significance (1). Last evaluated 2023-07-24.

Conditions:
Cone-rod dystrophy. Also called: Cone-rod degeneration; Cone/cone-rod dystrophy. Identifiers: Orphanet 1872, MedGen C4085590, MONDO:0015993, HP:0000548.

Allele frequency attached by ClinVar (database versions not stated): gnomAD exomes below 0.00001.
gnomAD v4.1: 3 of 1,578,936 alleles (0.00019%); highest among the groups gnomAD compares: Non-Finnish European, 0.00017%; no homozygotes.

Submissions (2):

Ophthalmic Genetics Group, Institute of Molecular and Clinical Ophthalmology Basel
Classification: Likely pathogenic for Cone-rod dystrophy. Last evaluated: 2023-07-24. Review status: criteria provided, single submitter. Criteria: ACMG Guidelines, 2015. Collection method: research. Allele origin: germline. Affected: yes. Observed: 1 variant allele.
Comment: Clinical significance based on ACMG v2.0

We analyzed RNA from leukocytes of the patient and found that c.517+5C>A abolished the use of the canonical donor site for intron 7 and favored instead the occurrence of two other splicing events, starting at 16 and 129 nucleotides upstream of this site (PS3). No residual wild-type transcript was detected. This variant was absent from population databases (PM2). Based on these criteria we classified this variant as likely pathogenic.

Labcorp Genetics (formerly Invitae), Labcorp
Classification: Uncertain significance. Last evaluated: 2022-12-19. Review status: criteria provided, single submitter. Criteria: Invitae Variant Classification Sherloc (09022015). Collection method: clinical testing. Allele origin: germline.
Comment: This sequence change falls in intron 6 of the DRAM2 gene. It does not directly change the encoded amino acid sequence of the DRAM2 protein. It affects a nucleotide within the consensus splice site. This variant is not present in population databases (gnomAD no frequency). This variant has not been reported in the literature in individuals affected with DRAM2-related conditions. Variants that disrupt the consensus splice site are a relatively common cause of aberrant splicing (PMID: 17576681, 9536098). Algorithms developed to predict the effect of sequence changes on RNA splicing suggest that this variant is not likely to affect RNA splicing. In summary, the available evidence is currently insufficient to determine the role of this variant in disease. Therefore, it has been classified as a Variant of Uncertain Significance.

Literature cited by the submitters: PubMed 36909829 (cited by Ophthalmic Genetics Group, Institute of Molecular and Clinical Ophthalmology Basel); PubMed 17576681 (cited by Labcorp Genetics (formerly Invitae), Labcorp); PubMed 9536098 (cited by Labcorp Genetics (formerly Invitae), Labcorp).

NM_001349884.2(DRAM2):c.517+5C>A

Gene: DRAM2 (DNA damage regulated autophagy modulator 2; minus strand). Cytogenetic location: 1p13.3.
Variant type: single nucleotide variant.
Coding change: c.517+5C>A on transcript NM_001349884.2 (MANE Select); 5 bases into the intron after coding-DNA position 517, C replaced by A.
Molecular consequence: intron variant.
Genome position (GRCh38, 1-based): chr1:111,120,511, G>T on the plus strand (C>A on the coding strand, the complement: DRAM2 is on the minus strand). VCF-style: chr1-111120511-G-T. GRCh37 (hg19) VCF-style: chr1-111663133-G-T.
Other names: NP_001336813.1:p.?; c.517+5C>A (NM_001349885.2, NM_178454.6, NM_001349882.2 and 1 more transcripts); c.127+5C>A (NM_001349889.2, NM_001349890.2, NM_001349891.2 and 2 more transcripts); c.247+5C>A (NM_001349887.2, NM_001349886.2, NM_001349888.2).
Identifiers: ClinVar variation 2116931 (VCV002116931.7), dbSNP rs1178103200, ClinGen allele CA885480815.